The following is an entry in ClinVar:

ClinVar aggregate classification (germline): Uncertain significance (1 of 4 stars; one submission).

Conditions:
Ellis-van Creveld syndrome (EVC). Also called: MESOECTODERMAL DYSPLASIA; Chondroectodermal dysplasia; EVC-Related Ellis-van Creveld Syndrome; EVC2-Related Ellis-van Creveld Syndrome. Identifiers: Orphanet 289, MedGen C0013903, MONDO:0009162, OMIM 225500.
Curry-Hall syndrome (WAD). Also called: WEYERS ACRODENTAL DYSOSTOSIS. Identifiers: Orphanet 952, MedGen C0457013, MONDO:0008673, OMIM 193530.

Allele frequency attached by ClinVar (database versions not stated): ExAC 0.00001; TOPMed 0.00001.
gnomAD v4.1: 15 of 1,614,234 alleles (0.00093%); highest among the groups gnomAD compares: Non-Finnish European, 0.0013%; no homozygotes.

Submission:

Labcorp Genetics (formerly Invitae), Labcorp
Classification: Uncertain significance for Curry-Hall syndrome; Ellis-van Creveld syndrome. Last evaluated: 2025-11-24. Review status: criteria provided, single submitter. Criteria: Invitae Variant Classification Sherloc (09022015). Collection method: clinical testing. Allele origin: germline.
Comment: This sequence change replaces threonine, which is neutral and polar, with serine, which is neutral and polar, at codon 266 of the EVC2 protein (p.Thr266Ser). This variant is present in population databases (rs750135425, gnomAD 0.003%). This variant has not been reported in the literature in individuals affected with EVC2-related conditions. ClinVar contains an entry for this variant (Variation ID: 1899273). An algorithm developed to predict the effect of missense changes on protein structure and function outputs the following: PolyPhen-2: "Benign". The serine amino acid residue is found in multiple mammalian species, which suggests that this missense change does not adversely affect protein function. In summary, the available evidence is currently insufficient to determine the role of this variant in disease. Therefore, it has been classified as a Variant of Uncertain Significance.

NM_147127.5(EVC2):c.797C>G (p.Thr266Ser)

Gene: EVC2 (EvC ciliary complex subunit 2; minus strand). Cytogenetic location: 4p16.2.
Variant type: single nucleotide variant.
Coding change: c.797C>G on transcript NM_147127.5 (MANE Select); coding-DNA position 797, C replaced by G.
Protein change: p.Thr266Ser; replaces threonine 266 with serine.
Molecular consequence: missense variant.
Genome position (GRCh38, 1-based): chr4:5,685,389, G>C on the plus strand (C>G on the coding strand, the complement: EVC2 is on the minus strand). VCF-style: chr4-5685389-G-C. GRCh37 (hg19) VCF-style: chr4-5687116-G-C.
Other names: c.557C>G, p.Thr186Ser (NM_001166136.2); short protein forms T186S, T266S.
Identifiers: ClinVar variation 1899273 (VCV001899273.5), dbSNP rs750135425, ClinGen allele CA2835302.